The following is an entry in ClinVar:

NM_020859.4(SHROOM3):c.2333A>G (p.His778Arg)

Genes: SHROOM3 (shroom family member 3; plus strand), SHROOM3-AS1 (SHROOM3 antisense RNA 1; minus strand). Cytogenetic location: 4q21.1.
Variant type: single nucleotide variant.
Coding change: c.2333A>G on transcript NM_020859.4 (MANE Select); coding-DNA position 2333, A replaced by G.
Protein change: p.His778Arg; replaces histidine 778 with arginine.
Molecular consequence: missense variant.
Genome position (GRCh38, 1-based): chr4:76,740,506, A>G. VCF-style: chr4-76740506-A-G. GRCh37 (hg19) VCF-style: chr4-77661659-A-G.
Other names: short protein forms H778R.
Identifiers: ClinVar variation 4864508 (VCV004864508.1).

ClinVar aggregate classification (germline): Uncertain significance (1 of 4 stars; one submission).

Submission:

Ambry Genetics
Classification: Uncertain significance. Last evaluated: 2026-06-03. Review status: criteria provided, single submitter. Criteria: Ambry Variant Classification Scheme 2023. Collection method: clinical testing. Allele origin: germline.
Comment: The c.2333A>G (p.H778R) alteration is located in exon 5 (coding exon 5) of the SHROOM3 gene. This alteration results from a A to G substitution at nucleotide position 2333, causing the histidine (H) at amino acid position 778 to be replaced by an arginine (R). Based on data from gnomAD, the G allele has an overall frequency of 0.003% (1/31338) total alleles studied. The highest observed frequency was 0.007% (1/15400) of European (non-Finnish) alleles. Based on insufficient or conflicting evidence, the clinical significance of this alteration remains unclear.